The following is an entry in ClinVar:

NM_053025.4(MYLK):c.695C>T (p.Thr232Met)

Gene: MYLK (myosin light chain kinase; minus strand). Cytogenetic location: 3q21.1.
Variant type: single nucleotide variant.
Coding change: c.695C>T on transcript NM_053025.4 (MANE Select); coding-DNA position 695, C replaced by T.
Protein change: p.Thr232Met; replaces threonine 232 with methionine.
Molecular consequence: missense variant.
Genome position (GRCh38, 1-based): chr3:123,737,437, G>A on the plus strand (C>T on the coding strand, the complement: MYLK is on the minus strand). VCF-style: chr3-123737437-G-A. GRCh37 (hg19) VCF-style: chr3-123456284-G-A.
Other names: c.167C>T, p.Thr56Met (NM_001321309.2); c.695C>T, p.Thr232Met (NM_053026.4, NM_053027.4, NM_053028.4); short protein forms T232M, T56M.
Identifiers: ClinVar variation 409694 (VCV000409694.11), dbSNP rs55935214, ClinGen allele CA16611235.
Genomic context (GRCh38, chr3:123,737,437, plus strand): 5'-CCTTGGATGGAAAGTTCAGCTGACATCGAGGCCTTCCCCGACCCGTTCACCACCAGGCAC[G>A]TGTACACTCCCACGTCATCTTGGTTGACTCCATGGATTTCCAGAACCTGCATGCCGTTCT-3'
Protein context (NP_444253.3, residues 222-242): GVNQDDVGVY[Thr232Met]CLVVNGSGKA

ClinVar aggregate classification (germline): Uncertain significance. Review status: criteria provided, multiple submitters, no conflicts (2 of 4 stars). 5 submissions from 5 submitters: Uncertain significance (5). Last evaluated 2025-12-03.

Conditions:
Aortic aneurysm, familial thoracic 7 (AAT7). Also called: AORTIC DISSECTION, FAMILIAL, WITH OR WITHOUT AORTIC ANEURYSM. Identifiers: MedGen C3151077, MONDO:0013418, OMIM 613780.
Megacystis-microcolon-intestinal hypoperistalsis syndrome 1. Identifiers: MedGen C5542316, MONDO:0100354, OMIM 249210.
Familial thoracic aortic aneurysm and aortic dissection (TAAD). Also called: Thoracic aortic aneurysms and dissections. Identifiers: Orphanet 91387, MedGen C4707243, MONDO:0019625.

Allele frequency attached by ClinVar (database versions not stated): gnomAD exomes below 0.00001 and 0.00002; TOPMed 0.00002; gnomAD 0.00004 and 0.00005; 1000 Genomes Project 30x 0.00016.
gnomAD v4.1: 39 of 1,614,176 alleles (0.0024%); highest among the groups gnomAD compares: African/African-American, 0.004%; no homozygotes.

Submissions (5):

Labcorp Genetics (formerly Invitae), Labcorp
Classification: Uncertain significance for Aortic aneurysm, familial thoracic 7. Last evaluated: 2025-12-03. Review status: criteria provided, single submitter. Criteria: Invitae Variant Classification Sherloc (09022015). Collection method: clinical testing. Allele origin: germline.
Comment: This sequence change replaces threonine, which is neutral and polar, with methionine, which is neutral and non-polar, at codon 232 of the MYLK protein (p.Thr232Met). This variant is present in population databases (rs55935214, gnomAD 0.008%). This variant has not been reported in the literature in individuals affected with MYLK-related conditions. ClinVar contains an entry for this variant (Variation ID: 409694). Invitae Evidence Modeling of protein sequence and biophysical properties (such as structural, functional, and spatial information, amino acid conservation, physicochemical variation, residue mobility, and thermodynamic stability) indicates that this missense variant is not expected to disrupt MYLK protein function with a negative predictive value of 95%. In summary, the available evidence is currently insufficient to determine the role of this variant in disease. Therefore, it has been classified as a Variant of Uncertain Significance.

Ambry Genetics
Classification: Uncertain significance for Familial thoracic aortic aneurysm and aortic dissection. Last evaluated: 2025-09-08. Review status: criteria provided, single submitter. Criteria: Ambry Variant Classification Scheme 2023. Collection method: clinical testing. Allele origin: germline.
Comment: The p.T232M variant (also known as c.695C>T), located in coding exon 5 of the MYLK gene, results from a C to T substitution at nucleotide position 695. The threonine at codon 232 is replaced by methionine, an amino acid with similar properties. This amino acid position is highly conserved in available vertebrate species. In addition, the in silico prediction for this alteration is inconclusive. Based on the available evidence, the clinical significance of this variant remains unclear.

Fulgent Genetics
Classification: Uncertain significance for Megacystis-microcolon-intestinal hypoperistalsis syndrome 1; Aortic aneurysm, familial thoracic 7. Last evaluated: 2024-04-04. Review status: criteria provided, single submitter. Criteria: ACMG Guidelines, 2015. Collection method: clinical testing. Allele origin: germline.

Women's Health and Genetics/Laboratory Corporation of America, LabCorp
Classification: Uncertain significance. Last evaluated: 2023-07-31. Review status: criteria provided, single submitter. Criteria: LabCorp Variant Classification Summary - May 2015. Collection method: clinical testing. Allele origin: germline.
Comment: Variant summary: MYLK c.695C>T (p.Thr232Met) results in a non-conservative amino acid change located in the Immunoglobulin subtype 2 (IPR003598) of the encoded protein sequence. Five of five in-silico tools predict a damaging effect of the variant on protein function. The variant allele was found at a frequency of 4e-06 in 251478 control chromosomes. The available data on variant occurrences in the general population are insufficient to allow any conclusion about variant significance. To our knowledge, no occurrence of c.695C>T in individuals affected with MYLK - related conditions and no experimental evidence demonstrating its impact on protein function have been reported. Two submitters have cited clinical-significance assessments for this variant to ClinVar after 2014; all submitters classified the variant as uncertain significance. Based on the evidence outlined above, the variant was classified as uncertain significance.

GeneDx
Classification: Uncertain significance. Last evaluated: 2019-03-22. Review status: criteria provided, single submitter. Criteria: GeneDx Variant Classification Process June 2021. Collection method: clinical testing. Allele origin: germline. Affected: yes.
Comment: Not observed at a significant frequency in large population cohorts (Lek et al., 2016); In silico analysis, which includes protein predictors and evolutionary conservation, supports a deleterious effect; Has not been previously published as pathogenic or benign to our knowledge